The following is an entry in ClinVar:

ClinVar aggregate classification (germline): Uncertain significance. Review status: criteria provided, multiple submitters, no conflicts (2 of 4 stars). 6 submissions from 6 submitters: Uncertain significance (4). 2 of the submissions do not count toward it. Last evaluated 2025-06-30.

Conditions:
SEMA3A-related disorder. Also called: SEMA3A-related condition.
Hypogonadotropic hypogonadism 16 with or without anosmia (HH16). Also called: HYPOGONADOTROPIC HYPOGONADISM 16 WITH ANOSMIA, SUSCEPTIBILITY TO. Identifiers: Orphanet 478, MedGen C3554021, MONDO:0013961, OMIM 614897.

Allele frequency attached by ClinVar (database versions not stated): TOPMed 0.00012; 1000 Genomes Project 30x 0.00016; gnomAD exomes 0.00016 and 0.00018; gnomAD 0.00017 and 0.00013; ExAC 0.00021; 1000 Genomes Project 0.00020; ESP Exome Variant Server 0.00008.
gnomAD v4.1: 251 of 1,614,040 alleles (0.016%); highest among the groups gnomAD compares: South Asian, 0.091%; 1 homozygote.

Submissions (6):

Genetic Services Laboratory, University of Chicago
Classification: Uncertain significance. Last evaluated: 2025-06-30. Review status: criteria provided, single submitter. Criteria: ACMG Guidelines, 2015. Collection method: clinical testing. Allele origin: germline.
Comment: The c.2062A>G variant: Results in an amino acid change, p.Thr688Ala. Has been previously described in an individual with Kallmann Syndrome (KS) who also had a sequence change in the KAL1 gene (PMID: 22927827). In vitro studies using GN11 cell line showed reduced signaling activity of the secreted protein. Has also reported in an individual with CHD7-negative CHARGE syndrome (PMID: 24728844). Is reported in the gnomAD v4 database with a frequency of 0.09% in the South Asian subpopulation (dbSNP rs318240751). Affects a moderately conserved amino acid residue located in a domain of the SEMA3A protein that is not known to be functional. Appears to be benign using several in-silico pathogenicity prediction tools. ClinVar contains an entry for this variant (Variation ID: 68833). Due to insufficient evidence and the lack of functional studies, the clinical significance of the p.Thr688Ala variant remains unknown at this time.

Labcorp Genetics (formerly Invitae), Labcorp
Classification: Uncertain significance. Last evaluated: 2024-01-07. Review status: criteria provided, single submitter. Criteria: Invitae Variant Classification Sherloc (09022015). Collection method: clinical testing. Allele origin: germline.
Comment: This sequence change replaces threonine, which is neutral and polar, with alanine, which is neutral and non-polar, at codon 688 of the SEMA3A protein (p.Thr688Ala). This variant is present in population databases (rs318240751, gnomAD 0.09%). This missense change has been observed in individual(s) with Kallmann syndrome (PMID: 22927827). ClinVar contains an entry for this variant (Variation ID: 68833). Algorithms developed to predict the effect of missense changes on protein structure and function output the following: SIFT: "Not Available"; PolyPhen-2: "Benign"; Align-GVGD: "Not Available". The alanine amino acid residue is found in multiple mammalian species, which suggests that this missense change does not adversely affect protein function. Experimental studies have shown that this missense change affects SEMA3A function (PMID: 22927827). In summary, the available evidence is currently insufficient to determine the role of this variant in disease. Therefore, it has been classified as a Variant of Uncertain Significance.

Mendelics
Classification: Uncertain significance for Hypogonadotropic hypogonadism 16 with or without anosmia. Last evaluated: 2019-05-28. Review status: criteria provided, single submitter. Criteria: Mendelics Assertion Criteria 2017. Collection method: clinical testing. Allele origin: unknown.

Eurofins Ntd Llc (ga)
Classification: Uncertain significance. Last evaluated: 2014-11-11. Review status: criteria provided, single submitter. Criteria: EGL Classification Definitions 2015. Collection method: clinical testing. Allele origin: germline. Observed: 1 variant allele, 1 heterozygote.

PreventionGenetics, part of Exact Sciences
Classification: Uncertain significance for SEMA3A-related condition. Last evaluated: 2024-09-24. Review status: no assertion criteria provided. Collection method: clinical testing. Allele origin: germline. Not counted in ClinVar's aggregate classification.
Comment: The SEMA3A c.2062A>G variant is predicted to result in the amino acid substitution p.Thr688Ala. This variant has been reported in the heterozygous state in an individual with Kallmann syndrome (Hanchate et al. 2012. PubMed ID: 22927827) and an individual with CHARGE Syndrome (Schulz et al. 2014. PubMed ID: 24728844). The individual with Kallmann syndrome also harbored an additional variant in another gene (Hanchate et al. 2012. PubMed ID: 22927827). In vitro functional studies suggest that this variant reduces the signaling activity of the encoded protein (Hanchate et al. 2012. PubMed ID: 22927827). It is reported in 0.091% of alleles in individuals of South Asian descent in gnomAD, including one homozygous finding, which may be too frequent to be a primary cause of disease. At this time, the clinical significance of this variant is uncertain due to the absence of conclusive functional and genetic evidence.

UniProtKB/Swiss-Prot
No classification provided. Review status: no classification provided. Collection method: not provided. Allele origin: not provided. Not counted in ClinVar's aggregate classification.

Literature cited by the submitters: PubMed 22927827 (cited by Labcorp Genetics (formerly Invitae), Labcorp).

NM_006080.3(SEMA3A):c.2062A>G (p.Thr688Ala)

Gene: SEMA3A (semaphorin 3A; minus strand). Cytogenetic location: 7q21.11.
Variant type: single nucleotide variant.
Coding change: c.2062A>G on transcript NM_006080.3 (MANE Select); coding-DNA position 2062, A replaced by G.
Protein change: p.Thr688Ala; replaces threonine 688 with alanine.
Molecular consequence: missense variant.
Genome position (GRCh38, 1-based): chr7:83,961,625, T>C on the plus strand (A>G on the coding strand, the complement: SEMA3A is on the minus strand). VCF-style: chr7-83961625-T-C. GRCh37 (hg19) VCF-style: chr7-83590941-T-C.
Other names: short protein forms T688A.
Identifiers: ClinVar variation 68833 (VCV000068833.15), dbSNP rs318240751, ClinGen allele CA220073.